The following is an entry in ClinVar:

ClinVar aggregate classification (germline): Uncertain significance (1 of 4 stars; one submission).

Conditions:
Nemaline myopathy 6 (NEM6). Also called: Nemaline myopathy 6, autosomal dominant. Identifiers: Orphanet 171439, MedGen C1836472, MONDO:0012237, OMIM 609273.

Submission:

Labcorp Genetics (formerly Invitae), Labcorp
Classification: Uncertain significance for Nemaline myopathy 6. Last evaluated: 2025-10-19. Review status: criteria provided, single submitter. Criteria: Invitae Variant Classification Sherloc (09022015). Collection method: clinical testing. Allele origin: germline.
Comment: This sequence change creates a premature translational stop signal (p.Gln293Argfs*154) in the KBTBD13 gene. While this is not anticipated to result in nonsense mediated decay, it is expected to disrupt the last 166 amino acid(s) of the KBTBD13 protein. This variant is not present in population databases (gnomAD no frequency). This premature translational stop signal has been observed in individual(s) with clinical features of KBTBD13-related conditions (internal data). Experimental studies and prediction algorithms are not available or were not evaluated, and the functional significance of this variant is currently unknown. In summary, the available evidence is currently insufficient to determine the role of this variant in disease. Therefore, it has been classified as a Variant of Uncertain Significance.

NM_001101362.3(KBTBD13):c.864_877dup (p.Gln293fs)

Gene: KBTBD13 (kelch repeat and BTB domain containing 13; plus strand). Cytogenetic location: 15q22.31.
Variant type: Duplication.
Coding change: c.864_877dup on transcript NM_001101362.3 (MANE Select); coding-DNA positions 864 to 877, 14 bases duplicated (GGCCGACCTGCCGC).
Protein change: p.Gln293fs; shifts the reading frame from glutamine 293.
Molecular consequence: frameshift variant.
Genome position (GRCh38, 1-based): chr15:65,077,679-65,077,692, GGCCGACCTGCCGC duplicated. VCF-style (leftmost placement, unchanged base first): chr15-65077678-T-TGGCCGACCTGCCGC. GRCh37 (hg19) VCF-style: chr15-65370016-T-TGGCCGACCTGCCGC.
Other names: short protein forms Q293fs.
Identifiers: ClinVar variation 4726234 (VCV004726234.1).